The following is an entry in ClinVar:

ClinVar aggregate classification (germline): Uncertain significance. Review status: criteria provided, multiple submitters, no conflicts (2 of 4 stars). 2 submissions from 2 submitters: Uncertain significance (2). Last evaluated 2021-08-27.

Conditions:
Familial hemophagocytic lymphohistiocytosis 5. Also called: STXBP2-Related Familial Hemophagocytic Lymphohistiocytosis (STXBP2-fHLH). Identifiers: Orphanet 540, MedGen C2751293, MONDO:0013135, OMIM 613101.

Allele frequency attached by ClinVar (database versions not stated): gnomAD exomes below 0.00001; TOPMed 0.00001.
gnomAD v4.1: 1 of 1,613,522 alleles (0.000062%); highest among the groups gnomAD compares: Non-Finnish European, 0.000085%; no homozygotes.

Submissions (2):

Labcorp Genetics (formerly Invitae), Labcorp
Classification: Uncertain significance for Familial hemophagocytic lymphohistiocytosis 5. Last evaluated: 2021-08-27. Review status: criteria provided, single submitter. Criteria: Invitae Variant Classification Sherloc (09022015). Collection method: clinical testing. Allele origin: germline.
Comment: This sequence change replaces methionine with threonine at codon 539 of the STXBP2 protein (p.Met539Thr). The methionine residue is weakly conserved and there is a moderate physicochemical difference between methionine and threonine. This variant is not present in population databases (ExAC no frequency). This variant has not been reported in the literature in individuals affected with STXBP2-related conditions. ClinVar contains an entry for this variant (Variation ID: 330560). Algorithms developed to predict the effect of missense changes on protein structure and function are either unavailable or do not agree on the potential impact of this missense change (SIFT: "Deleterious"; PolyPhen-2: "Benign"; Align-GVGD: "Class C0"). In summary, the available evidence is currently insufficient to determine the role of this variant in disease. Therefore, it has been classified as a Variant of Uncertain Significance.

Illumina Laboratory Services, Illumina
Classification: Uncertain significance for Familial hemophagocytic lymphohistiocytosis 5. Last evaluated: 2018-01-13. Review status: criteria provided, single submitter. Criteria: ICSL Variant Classification Criteria 13 December 2019. Collection method: clinical testing. Allele origin: germline.

NM_006949.4(STXBP2):c.1616T>C (p.Met539Thr)

Gene: STXBP2 (syntaxin binding protein 2; plus strand). Cytogenetic location: 19p13.2.
Variant type: single nucleotide variant.
Coding change: c.1616T>C on transcript NM_006949.4 (MANE Select); coding-DNA position 1616, T replaced by C.
Protein change: p.Met539Thr; replaces methionine 539 with threonine.
Molecular consequence: missense variant. On other transcripts: non-coding transcript variant (1).
Genome position (GRCh38, 1-based): chr19:7,647,431, T>C. VCF-style: chr19-7647431-T-C. GRCh37 (hg19) VCF-style: chr19-7712317-T-C.
Other names: c.1607T>C, p.Met536Thr (NM_001127396.3); c.1649T>C, p.Met550Thr (NM_001272034.2); short protein forms M539T, M550T, M536T.
Identifiers: ClinVar variation 330560 (VCV000330560.9), dbSNP rs886054705, ClinGen allele CA10643464.